The following is an entry in ClinVar:

ClinVar aggregate classification (germline): Uncertain significance (1 of 4 stars; one submission).

Conditions:
Mevalonic aciduria (MEVA). Identifiers: Orphanet 29, MedGen C1959626, MONDO:0012481, OMIM 610377.
Porokeratosis 3, disseminated superficial actinic type (POROK3). Also called: POROKERATOSIS 3, MULTIPLE TYPES; POROKERATOSIS 3, MIBELLI TYPE; POROKERATOSIS, DISSEMINATED SUPERFICIAL ACTINIC, 1. Identifiers: MedGen C1867981, MONDO:0008293, OMIM 175900.
Hyperimmunoglobulin D with periodic fever (HIDS). Also called: Hyperimmunoglobulinemia D; Hyperimmunoglobulinemia D with periodic fever; HYPERIMMUNOGLOBULINEMIA D AND PERIODIC FEVER SYNDROME. Identifiers: Orphanet 343, MedGen C0398691, MONDO:0009849, OMIM 260920.

Submission:

Labcorp Genetics (formerly Invitae), Labcorp
Classification: Uncertain significance for Mevalonic aciduria; Hyperimmunoglobulin D with periodic fever; Porokeratosis 3, disseminated superficial actinic type. Last evaluated: 2024-01-22. Review status: criteria provided, single submitter. Criteria: Invitae Variant Classification Sherloc (09022015). Collection method: clinical testing. Allele origin: germline.
Comment: This sequence change replaces glutamine, which is neutral and polar, with proline, which is neutral and non-polar, at codon 42 of the MVK protein (p.Gln42Pro). This variant is not present in population databases (gnomAD no frequency). This variant has not been reported in the literature in individuals affected with MVK-related conditions. Advanced modeling of protein sequence and biophysical properties (such as structural, functional, and spatial information, amino acid conservation, physicochemical variation, residue mobility, and thermodynamic stability) performed at Invitae indicates that this missense variant is not expected to disrupt MVK protein function with a negative predictive value of 80%. In summary, the available evidence is currently insufficient to determine the role of this variant in disease. Therefore, it has been classified as a Variant of Uncertain Significance.

NM_000431.4(MVK):c.125A>C (p.Gln42Pro)

Gene: MVK (mevalonate kinase; plus strand). Cytogenetic location: 12q24.11.
Variant type: single nucleotide variant.
Coding change: c.125A>C on transcript NM_000431.4 (MANE Select); coding-DNA position 125, A replaced by C.
Protein change: p.Gln42Pro; replaces glutamine 42 with proline.
Molecular consequence: missense variant. On other transcripts: 5 prime UTR variant (1), non-coding transcript variant (4).
Genome position (GRCh38, 1-based): chr12:109,576,044, A>C. VCF-style: chr12-109576044-A-C. GRCh37 (hg19) VCF-style: chr12-110013849-A-C.
Other names: c.125A>C, p.Gln42Pro (NM_001114185.3, NM_001301182.2, NM_001414511.1 and 3 more transcripts); c.-458A>C (NM_001414515.1); short protein forms Q42P.
Identifiers: ClinVar variation 2948954 (VCV002948954.3), dbSNP rs2548618696, ClinGen allele CA386643441.
Genomic context (GRCh38, chr12:109,576,044, plus strand): 5'-CATTTATTCTATAGGTAGCACTGGCTGTATCCTTGAACTTGAGAACATTCCTCCGGCTTC[A>C]ACCCCACAGCAATGGGAAAGTGGACCTCAGCTTACCCAACATTGGTATCAAGCGGGCCTG-3'
Protein context (NP_000422.1, residues 32-52): SLNLRTFLRL[Gln42Pro]PHSNGKVDLS